The following is an entry in ClinVar:

ClinVar aggregate classification (germline): Benign (1 of 4 stars; one submission).

Allele frequency attached by ClinVar (database versions not stated): gnomAD 0.31481 and 0.31892; TOPMed 0.34016; 1000 Genomes Project 30x 0.39756; 1000 Genomes Project 0.39916.
gnomAD v4.1: 48,294 of 152,086 alleles (32%); highest among the groups gnomAD compares: African/African-American, 49%; 8,942 homozygotes.

Submission:

GeneDx
Classification: Benign. Last evaluated: 2018-06-14. Review status: criteria provided, single submitter. Criteria: GeneDx Variant Classification (06012015). Collection method: clinical testing. Allele origin: germline. Affected: yes.
Comment: This variant is considered likely benign or benign based on one or more of the following criteria: it is a conservative change, it occurs at a poorly conserved position in the protein, it is predicted to be benign by multiple in silico algorithms, and/or has population frequency not consistent with disease.

NM_014846.4(WASHC5):c.-124-331A>G

Gene: WASHC5 (WASH complex subunit 5; minus strand). Cytogenetic location: 8q24.13.
Variant type: single nucleotide variant.
Coding change: c.-124-331A>G on transcript NM_014846.4 (MANE Select); 331 bases into the intron before 124 bases upstream of the start codon, A replaced by G.
Molecular consequence: intron variant.
Genome position (GRCh38, 1-based): chr8:125,084,353, T>C on the plus strand (A>G on the coding strand, the complement: WASHC5 is on the minus strand). VCF-style: chr8-125084353-T-C. GRCh37 (hg19) VCF-style: chr8-126096595-T-C.
Other names: c.-258-1095A>G (NM_001330609.2).
Identifiers: ClinVar variation 669859 (VCV000669859.1), dbSNP rs28670937, ClinGen allele CA12820876.